The following is an entry in ClinVar:

ClinVar aggregate classification (germline): Uncertain significance (1 of 4 stars; one submission).

Conditions:
Xeroderma pigmentosum, group F (XPF). Also called: ERCC4-Related Xeroderma Pigmentosum; XERODERMA PIGMENTOSUM VI; XP, GROUP F; XERODERMA PIGMENTOSUM, COMPLEMENTATION GROUP F; Xeroderma pigmentosum, type 6; XERODERMA PIGMENTOSUM, TYPE F. Identifiers: MedGen C0268140, MONDO:0010215, OMIM 278760.
Cockayne syndrome. Identifiers: Orphanet 191, MedGen C0009207, MONDO:0016006.
Fanconi anemia complementation group Q. Identifiers: Orphanet 84, MedGen C3808988, MONDO:0014108, OMIM 615272.

Allele frequency attached by ClinVar (database versions not stated): TOPMed 0.00002.
gnomAD v4.1: 7 of 1,613,776 alleles (0.00043%); highest among the groups gnomAD compares: Non-Finnish European, 0.00059%; no homozygotes.

Submission:

Labcorp Genetics (formerly Invitae), Labcorp
Classification: Uncertain significance for Fanconi anemia complementation group Q; Xeroderma pigmentosum, group F; Cockayne syndrome. Last evaluated: 2025-11-17. Review status: criteria provided, single submitter. Criteria: Invitae Variant Classification Sherloc (09022015). Collection method: clinical testing. Allele origin: germline.
Comment: This sequence change replaces arginine, which is basic and polar, with glycine, which is neutral and non-polar, at codon 415 of the ERCC4 protein (p.Arg415Gly). This variant is not present in population databases (gnomAD no frequency). This variant has not been reported in the literature in individuals affected with ERCC4-related conditions. ClinVar contains an entry for this variant (Variation ID: 1006484). Invitae Evidence Modeling of protein sequence and biophysical properties (such as structural, functional, and spatial information, amino acid conservation, physicochemical variation, residue mobility, and thermodynamic stability) indicates that this missense variant is expected to disrupt ERCC4 protein function with a positive predictive value of 80%. In summary, the available evidence is currently insufficient to determine the role of this variant in disease. Therefore, it has been classified as a Variant of Uncertain Significance.

NM_005236.3(ERCC4):c.1243C>G (p.Arg415Gly)

Gene: ERCC4 (ERCC excision repair 4, endonuclease catalytic subunit; plus strand). Cytogenetic location: 16p13.12.
Variant type: single nucleotide variant.
Coding change: c.1243C>G on transcript NM_005236.3 (MANE Select); coding-DNA position 1243, C replaced by G.
Protein change: p.Arg415Gly; replaces arginine 415 with glycine.
Molecular consequence: missense variant.
Genome position (GRCh38, 1-based): chr16:13,935,175, C>G. VCF-style: chr16-13935175-C-G. GRCh37 (hg19) VCF-style: chr16-14029032-C-G.
Other names: short protein forms R415G.
Identifiers: ClinVar variation 1006484 (VCV001006484.10), dbSNP rs374470560, ClinGen allele CA394808934.